The following is an entry in ClinVar:

ClinVar aggregate classification (germline): Uncertain significance (1 of 4 stars; one submission).

Conditions:
Charcot-Marie-Tooth disease axonal type 2O. Also called: Charcot-Marie-Tooth disease, axonal, type 20; CHARCOT-MARIE-TOOTH NEUROPATHY, AXONAL, TYPE 2O; CHARCOT-MARIE-TOOTH DISEASE, AXONAL, AUTOSOMAL DOMINANT, TYPE 2O; Charcot-Marie-Tooth Neuropathy Type 2O. Identifiers: Orphanet 284232, MedGen C3280220, MONDO:0013644, OMIM 614228.

Submission:

Labcorp Genetics (formerly Invitae), Labcorp
Classification: Uncertain significance for Charcot-Marie-Tooth disease axonal type 2O. Last evaluated: 2024-04-07. Review status: criteria provided, single submitter. Criteria: Invitae Variant Classification Sherloc (09022015). Collection method: clinical testing. Allele origin: germline.
Comment: This sequence change replaces serine, which is neutral and polar, with asparagine, which is neutral and polar, at codon 3640 of the DYNC1H1 protein (p.Ser3640Asn). This variant is not present in population databases (gnomAD no frequency). This variant has not been reported in the literature in individuals affected with DYNC1H1-related conditions. Advanced modeling of protein sequence and biophysical properties (such as structural, functional, and spatial information, amino acid conservation, physicochemical variation, residue mobility, and thermodynamic stability) performed at Invitae indicates that this missense variant is not expected to disrupt DYNC1H1 protein function with a negative predictive value of 95%. In summary, the available evidence is currently insufficient to determine the role of this variant in disease. Therefore, it has been classified as a Variant of Uncertain Significance.

NM_001376.5(DYNC1H1):c.10919G>A (p.Ser3640Asn)

Gene: DYNC1H1 (dynein cytoplasmic 1 heavy chain 1; plus strand). Cytogenetic location: 14q32.31.
Variant type: single nucleotide variant.
Coding change: c.10919G>A on transcript NM_001376.5 (MANE Select); coding-DNA position 10919, G replaced by A.
Protein change: p.Ser3640Asn; replaces serine 3640 with asparagine.
Molecular consequence: missense variant.
Genome position (GRCh38, 1-based): chr14:102,038,470, G>A. VCF-style: chr14-102038470-G-A. GRCh37 (hg19) VCF-style: chr14-102504807-G-A.
Other names: short protein forms S3640N.
Identifiers: ClinVar variation 3692164 (VCV003692164.2).